The following is an entry in ClinVar:

NM_002860.4(ALDH18A1):c.1042A>G (p.Lys348Glu)

Gene: ALDH18A1 (aldehyde dehydrogenase 18 family member A1; minus strand). Cytogenetic location: 10q24.1.
Variant type: single nucleotide variant.
Coding change: c.1042A>G on transcript NM_002860.4 (MANE Select); coding-DNA position 1042, A replaced by G.
Protein change: p.Lys348Glu; replaces lysine 348 with glutamic acid.
Molecular consequence: missense variant.
Genome position (GRCh38, 1-based): chr10:95,627,478, T>C on the plus strand (A>G on the coding strand, the complement: ALDH18A1 is on the minus strand). VCF-style: chr10-95627478-T-C. GRCh37 (hg19) VCF-style: chr10-97387235-T-C.
Other names: c.1036A>G, p.Lys346Glu (NM_001017423.2, NM_001323415.2); c.709A>G, p.Lys237Glu (NM_001323412.2, NM_001323416.2); c.1042A>G, p.Lys348Glu (NM_001323413.2, NM_001323414.2); c.937A>G, p.Lys313Glu (NM_001323417.2); c.703A>G, p.Lys235Glu (NM_001323418.2); c.406A>G, p.Lys136Glu (NM_001323419.2); short protein forms K235E, K346E, K237E, K348E, K136E, K313E.
Identifiers: ClinVar variation 2010653 (VCV002010653.4), dbSNP rs2526827173, ClinGen allele CA377703435.

ClinVar aggregate classification (germline): Uncertain significance (1 of 4 stars; one submission).

Conditions:
Cutis laxa, autosomal dominant 3 (ADCL3). Identifiers: Orphanet 90348, MedGen C4225268, MONDO:0014706, OMIM 616603.
Autosomal dominant spastic paraplegia type 9. Identifiers: MedGen C1832669, MONDO:0015091.
de Barsy syndrome. Also called: Cutis laxa-corneal clouding-oligophrenia syndrome. Identifiers: Orphanet 2962, MedGen C0268354, MONDO:0017569.

Submission:

Labcorp Genetics (formerly Invitae), Labcorp
Classification: Uncertain significance for Autosomal dominant spastic paraplegia type 9; de Barsy syndrome; Cutis laxa, autosomal dominant 3. Last evaluated: 2023-07-10. Review status: criteria provided, single submitter. Criteria: Invitae Variant Classification Sherloc (09022015). Collection method: clinical testing. Allele origin: germline.
Comment: In summary, the available evidence is currently insufficient to determine the role of this variant in disease. Therefore, it has been classified as a Variant of Uncertain Significance. Advanced modeling of protein sequence and biophysical properties (such as structural, functional, and spatial information, amino acid conservation, physicochemical variation, residue mobility, and thermodynamic stability) has been performed at Invitae for this missense variant, however the output from this modeling did not meet the statistical confidence thresholds required to predict the impact of this variant on ALDH18A1 protein function. ClinVar contains an entry for this variant (Variation ID: 2010653). This variant has not been reported in the literature in individuals affected with ALDH18A1-related conditions. This variant is not present in population databases (gnomAD no frequency). This sequence change replaces lysine, which is basic and polar, with glutamic acid, which is acidic and polar, at codon 348 of the ALDH18A1 protein (p.Lys348Glu).